The following is an entry in ClinVar:

NM_001083961.2(WDR62):c.146C>T (p.Ser49Leu)

Gene: WDR62 (WD repeat domain 62; plus strand). Cytogenetic location: 19q13.12.
Variant type: single nucleotide variant.
Coding change: c.146C>T on transcript NM_001083961.2 (MANE Select); coding-DNA position 146, C replaced by T.
Protein change: p.Ser49Leu; replaces serine 49 with leucine.
Molecular consequence: missense variant.
Genome position (GRCh38, 1-based): chr19:36,055,117, C>T. VCF-style: chr19-36055117-C-T. GRCh37 (hg19) VCF-style: chr19-36546019-C-T.
Other names: c.146C>T, p.Ser49Leu (NM_001411145.1, NM_001411146.1, NM_001411147.1 and 1 more transcripts); short protein forms S49L.
Identifiers: ClinVar variation 3368252 (VCV003368252.1).
Genomic context (GRCh38, chr19:36,055,117, plus strand): 5'-GGGGCCAGTCCTCCCCGCCCCCCGCCCCACCAATCTGCCTACGGCGGCGGACGCGACTCT[C>T]GACGGCCTCCGAGGAGACGGTGCAGAACCGGGTGAGAAGCTGCTCGCCATGTCTACCCCA-3'
Protein context (NP_001077430.1, residues 39-59): PICLRRRTRL[Ser49Leu]TASEETVQNR

ClinVar aggregate classification (germline): Uncertain significance (1 of 4 stars; one submission).

gnomAD v4.1: 3 of 1,607,444 alleles (0.00019%); highest among the groups gnomAD compares: Non-Finnish European, 0.00025%; no homozygotes.

Submission:

GeneDx
Classification: Uncertain significance. Last evaluated: 2024-01-30. Review status: criteria provided, single submitter. Criteria: GeneDx Variant Classification Process June 2021. Collection method: clinical testing. Allele origin: germline. Affected: yes.
Comment: Not observed at significant frequency in large population cohorts (gnomAD); In silico analysis supports that this missense variant does not alter protein structure/function; Has not been previously published as pathogenic or benign to our knowledge